The following is an entry in ClinVar:

NM_005475.3(SH2B3):c.1096C>G (p.His366Asp)

Gene: SH2B3 (SH2B adaptor protein 3; plus strand). Cytogenetic location: 12q24.12.
Variant type: single nucleotide variant.
Coding change: c.1096C>G on transcript NM_005475.3 (MANE Select); coding-DNA position 1096, C replaced by G.
Protein change: p.His366Asp; replaces histidine 366 with aspartic acid.
Molecular consequence: missense variant.
Genome position (GRCh38, 1-based): chr12:111,447,404, C>G. VCF-style: chr12-111447404-C-G. GRCh37 (hg19) VCF-style: chr12-111885208-C-G.
Other names: c.490C>G, p.His164Asp (NM_001291424.1); short protein forms H164D, H366D.
Identifiers: ClinVar variation 4163962 (VCV004163962.1).

ClinVar aggregate classification (germline): Uncertain significance (1 of 4 stars; one submission).

Conditions:
Inborn genetic diseases. Identifiers: MedGen C0950123, MeSH D030342.

Submission:

Ambry Genetics
Classification: Uncertain significance for Inborn genetic diseases. Last evaluated: 2025-07-28. Review status: criteria provided, single submitter. Criteria: Ambry Variant Classification Scheme 2023. Collection method: clinical testing. Allele origin: germline.
Comment: The p.H366D variant (also known as c.1096C>G), located in coding exon 5 of the SH2B3 gene, results from a C to G substitution at nucleotide position 1096. The histidine at codon 366 is replaced by aspartic acid, an amino acid with similar properties. This amino acid position is conserved. In addition, this alteration is predicted to be deleterious by in silico analysis. Based on the available evidence, the clinical significance of this variant remains unclear.